The following is an entry in ClinVar:

ClinVar aggregate classification (germline): Uncertain significance (1 of 4 stars; one submission).

Submission:

GeneDx
Classification: Uncertain significance. Last evaluated: 2023-11-20. Review status: criteria provided, single submitter. Criteria: GeneDx Variant Classification Process June 2021. Collection method: clinical testing. Allele origin: germline. Affected: yes.
Comment: Not observed at significant frequency in large population cohorts (gnomAD); In silico analysis supports that this missense variant does not alter protein structure/function; Has not been previously published as pathogenic or benign to our knowledge

NM_001008537.3(NEXMIF):c.98T>C (p.Val33Ala)

Gene: NEXMIF (neurite extension and migration factor; minus strand). Cytogenetic location: Xq13.3.
Variant type: single nucleotide variant.
Coding change: c.98T>C on transcript NM_001008537.3 (MANE Select); coding-DNA position 98, T replaced by C.
Protein change: p.Val33Ala; replaces valine 33 with alanine.
Molecular consequence: missense variant.
Genome position (GRCh38, 1-based): chrX:74,744,459, A>G on the plus strand (T>C on the coding strand, the complement: NEXMIF is on the minus strand). VCF-style: chrX-74744459-A-G. GRCh37 (hg19) VCF-style: chrX-73964294-A-G.
Other names: short protein forms V33A.
Identifiers: ClinVar variation 3364657 (VCV003364657.1).